The following is an entry in ClinVar:

NM_025114.4(CEP290):c.6573C>G (p.His2191Gln)

Gene: CEP290 (centrosomal protein 290; minus strand). Cytogenetic location: 12q21.32.
Variant type: single nucleotide variant.
Coding change: c.6573C>G on transcript NM_025114.4 (MANE Select); coding-DNA position 6573, C replaced by G.
Protein change: p.His2191Gln; replaces histidine 2191 with glutamine.
Molecular consequence: missense variant.
Genome position (GRCh38, 1-based): chr12:88,059,970, G>C on the plus strand (C>G on the coding strand, the complement: CEP290 is on the minus strand). VCF-style: chr12-88059970-G-C. GRCh37 (hg19) VCF-style: chr12-88453747-G-C.
Other names: c.6573C>G (NM_025114.3); short protein forms H2191Q.
Identifiers: ClinVar variation 990680 (VCV000990680.2), dbSNP rs1316821873, ClinGen allele CA385978233.

ClinVar aggregate classification (germline): Uncertain significance. Review status: no assertion criteria provided (0 of 4 stars). 2 submissions from 2 submitters: Uncertain significance (2). Last evaluated 2024-02-14.

Conditions:
Leber congenital amaurosis (LCA). Also called: Leber's amaurosis. Identifiers: Orphanet 65, MedGen C0339527, MeSH D057130, MONDO:0018998.
CEP290-related disorder. Also called: CEP290-related disorders; CEP290-related condition. Identifiers: MedGen CN239314.

Allele frequency attached by ClinVar (database versions not stated): TOPMed 0.00001.

Submissions (2):

PreventionGenetics, part of Exact Sciences
Classification: Uncertain significance for CEP290-related condition. Last evaluated: 2024-02-14. Review status: no assertion criteria provided. Collection method: clinical testing. Allele origin: germline.
Comment: The CEP290 c.6573C>G variant is predicted to result in the amino acid substitution p.His2191Gln. To our knowledge, this variant has not been reported in the literature or in a large population database, indicating this variant is rare. At this time, the clinical significance of this variant is uncertain due to the absence of conclusive functional and genetic evidence.

Natera, Inc.
Classification: Uncertain significance for Leber congenital amaurosis. Last evaluated: 2020-08-14. Review status: no assertion criteria provided. Collection method: clinical testing. Allele origin: germline.